The following is an entry in ClinVar:

NM_001034853.2(RPGR):c.2522del (p.Glu841fs)

Gene: RPGR (retinitis pigmentosa GTPase regulator; minus strand). Cytogenetic location: Xp11.4.
Variant type: Deletion.
Coding change: c.2522del on transcript NM_001034853.2 (MANE Select); coding-DNA position 2522, one base deleted (A; older notation c.2522delA).
Protein change: p.Glu841fs; shifts the reading frame from glutamic acid 841.
Molecular consequence: frameshift variant. On other transcripts: intron variant (8).
Genome position (GRCh38, 1-based): chrX:38,286,477, T deleted on the plus strand (A on the coding strand, the reverse complement: RPGR is on the minus strand). VCF-style (leftmost placement, unchanged base first): chrX-38286476-CT-C. GRCh37 (hg19) VCF-style: chrX-38145729-CT-C.
Other names: c.1569+4482del (NM_001367249.1, NM_001367250.1); c.1902+617del (NM_001367245.1); c.1386+4482del (NM_001367251.1); c.1719+617del (NM_001367246.1); c.1572+4482del (NM_001367247.1); c.1905+617del (NM_000328.3); c.1602+4482del (NM_001367248.1); c.2522delA (NM_001034853.1); short protein forms E841fs.
Identifiers: ClinVar variation 803966 (VCV000803966.8), dbSNP rs1601922202, ClinGen allele CA915951010.

ClinVar aggregate classification (germline): Pathogenic/Likely pathogenic. Review status: criteria provided, multiple submitters, no conflicts (2 of 4 stars). 4 submissions from 4 submitters: Pathogenic (3); Likely pathogenic (1). Last evaluated 2024-03-08.

Conditions:
Primary ciliary dyskinesia. Also called: Ciliary dyskinesia. Identifiers: Orphanet 244, MedGen C0008780, MONDO:0016575, HP:0012265.
Retinitis pigmentosa (RP). Identifiers: Orphanet 791, MedGen C0035334, MeSH D012174, MONDO:0019200, OMIM 268000. Inheritance: Autosomal dominant, autosomal recessive and X linked inheritance.
Retinitis pigmentosa 3. Also called: CHOROIDORETINAL DEGENERATION WITH RETINAL REFLEX IN HETEROZYGOUS WOMEN. Identifiers: Orphanet 791, MedGen C1845667, MONDO:0010227, OMIM 300029.
RPGR-related disorder. Also called: RPGR-related condition.

Submissions (4):

3billion
Classification: Likely pathogenic for Retinitis pigmentosa 3. Last evaluated: 2024-03-08. Review status: criteria provided, single submitter. Criteria: ACMG Guidelines, 2015. Collection method: clinical testing. Allele origin: germline. Affected: yes.
Comment: The variant is not observed in the gnomAD v2.1.1 dataset. Predicted Consequence/Location: Frameshift: predicted to result in a loss or disruption of normal protein function through protein truncation. The predicted truncated protein may be shortened by more than 10%. The variant has been reported at least twice as pathogenic without evidence for the classification (ClinVar ID: VCV000803966). Therefore, this variant is classified as Likely pathogenic according to the recommendation of ACMG/AMP guideline.

PreventionGenetics, part of Exact Sciences
Classification: Pathogenic for RPGR-related condition. Last evaluated: 2023-04-06. Review status: criteria provided, single submitter. Criteria: ACMG Guidelines, 2015. Collection method: clinical testing. Allele origin: germline.
Comment: The RPGR c.2522delA variant is predicted to result in a frameshift and premature protein termination (p.Glu841Glyfs*248). This variant is also known as g.ORF15+769delA. This variant has been reported in individuals with retinitis pigmentosa (Vervoort et al. 2000. PubMed ID: 10932196; Zou et al. 2020. PubMed ID: 32702353). This variant has not been reported in a large population database, indicating this variant is rare. Frameshift variants in RPGR are expected to be pathogenic. Given the evidence we interpret c.2522del (p.Glu841Glyfs*248) as pathogenic.

Labcorp Genetics (formerly Invitae), Labcorp
Classification: Pathogenic for Primary ciliary dyskinesia. Last evaluated: 2023-03-27. Review status: criteria provided, single submitter. Criteria: Invitae Variant Classification Sherloc (09022015). Collection method: clinical testing. Allele origin: germline.
Comment: This sequence change creates a premature translational stop signal (p.Glu841Glyfs*248) in the RPGR (ORF15) gene. While this is not anticipated to result in nonsense mediated decay, it is expected to disrupt the last 312 amino acid(s) of the RPGR (ORF15) protein. This variant is not present in population databases (gnomAD no frequency). This premature translational stop signal has been observed in individual(s) with retinitis pigmentosa (PMID: 32702353). ClinVar contains an entry for this variant (Variation ID: 803966). This variant disrupts a region of the RPGR (ORF15) protein in which other variant(s) (p.Leu1130Lysfs*13) have been determined to be pathogenic (PMID: 22264887; Invitae). This suggests that this is a clinically significant region of the protein, and that variants that disrupt it are likely to be disease-causing. For these reasons, this variant has been classified as Pathogenic.

Mendelics
Classification: Pathogenic for Retinitis pigmentosa. Last evaluated: 2019-05-28. Review status: criteria provided, single submitter. Criteria: Mendelics Assertion Criteria 2017. Collection method: clinical testing. Allele origin: unknown.

Literature cited by the submitters: PubMed 32702353 (cited by Labcorp Genetics (formerly Invitae), Labcorp); PubMed 22264887 (cited by Labcorp Genetics (formerly Invitae), Labcorp).